The following is an entry in ClinVar:

ClinVar aggregate classification (germline): Uncertain significance. Review status: criteria provided, multiple submitters, no conflicts (2 of 4 stars). 2 submissions from 2 submitters: Uncertain significance (2). Last evaluated 2026-08-05.

Conditions:
Inborn genetic diseases. Identifiers: MedGen C0950123, MeSH D030342.

gnomAD v4.1: 13 of 1,612,558 alleles (0.00081%); highest among the groups gnomAD compares: Non-Finnish European, 0.00085%; no homozygotes.

Submissions (2):

Ambry Genetics
Classification: Uncertain significance for Inborn genetic diseases. Last evaluated: 2026-08-05. Review status: criteria provided, single submitter. Criteria: Ambry Variant Classification Scheme 2023. Collection method: clinical testing. Allele origin: germline.

Labcorp Genetics (formerly Invitae), Labcorp
Classification: Uncertain significance. Last evaluated: 2026-01-07. Review status: criteria provided, single submitter. Criteria: Invitae Variant Classification Sherloc (09022015). Collection method: clinical testing. Allele origin: germline.
Comment: This sequence change replaces arginine, which is basic and polar, with cysteine, which is neutral and slightly polar, at codon 1877 of the COL7A1 protein (p.Arg1877Cys). This variant is present in population databases (rs760586909, gnomAD 0.002%). This variant has not been reported in the literature in individuals affected with COL7A1-related conditions. ClinVar contains an entry for this variant (Variation ID: 3268860). Invitae Evidence Modeling of protein sequence and biophysical properties (such as structural, functional, and spatial information, amino acid conservation, physicochemical variation, residue mobility, and thermodynamic stability) indicates that this missense variant is expected to disrupt COL7A1 protein function with a positive predictive value of 95%. In summary, the available evidence is currently insufficient to determine the role of this variant in disease. Therefore, it has been classified as a Variant of Uncertain Significance.

NM_000094.4(COL7A1):c.5629C>T (p.Arg1877Cys)

Gene: COL7A1 (collagen type VII alpha 1 chain; minus strand). Cytogenetic location: 3p21.31.
Variant type: single nucleotide variant.
Coding change: c.5629C>T on transcript NM_000094.4 (MANE Select); coding-DNA position 5629, C replaced by T.
Protein change: p.Arg1877Cys; replaces arginine 1877 with cysteine.
Molecular consequence: missense variant.
Genome position (GRCh38, 1-based): chr3:48,576,747, G>A on the plus strand (C>T on the coding strand, the complement: COL7A1 is on the minus strand). VCF-style: chr3-48576747-G-A. GRCh37 (hg19) VCF-style: chr3-48614180-G-A.
Other names: short protein forms R1877C.
Identifiers: ClinVar variation 3268860 (VCV003268860.4).